The following is an entry in ClinVar:

ClinVar aggregate classification (germline): Conflicting classifications of pathogenicity. Review status: criteria provided, conflicting classifications (1 of 4 stars). 8 submissions from 8 submitters: Uncertain significance (2); Benign (2); Likely benign (3). 1 of the submissions does not count toward it. Last evaluated 2026-01-26.

Conditions:
CDKN1B-related disorder. Also called: CDKN1B-related condition.
Multiple endocrine neoplasia type 4. Also called: MULTIPLE ENDOCRINE NEOPLASIA, TYPE IV. Identifiers: Orphanet 276152, MedGen C1970712, MONDO:0012552, OMIM 610755.
Hereditary cancer-predisposing syndrome. Also called: Tumor predisposition; Hereditary neoplastic syndrome; Hereditary Cancer Syndrome; Neoplastic Syndromes, Hereditary. Identifiers: Orphanet 140162, MedGen C0027672, MeSH D009386, MONDO:0015356.

Allele frequency attached by ClinVar (database versions not stated): 1000 Genomes Project 30x 0.00031.
gnomAD v4.1: 58 of 1,613,412 alleles (0.0036%); highest among the groups gnomAD compares: Admixed American, 0.088%; no homozygotes.

Submissions (8):

Labcorp Genetics (formerly Invitae), Labcorp
Classification: Likely benign for Multiple endocrine neoplasia type 4. Last evaluated: 2026-01-26. Review status: criteria provided, single submitter. Criteria: Invitae Variant Classification Sherloc (09022015). Collection method: clinical testing. Allele origin: germline.

GeneDx
Classification: Uncertain significance. Last evaluated: 2025-03-13. Review status: criteria provided, single submitter. Criteria: GeneDx Variant Classification Process June 2021. Collection method: clinical testing. Allele origin: germline.
Comment: In silico analysis indicates that this missense variant does not alter protein structure/function; Has not been previously published as pathogenic or benign to our knowledge

St. Jude Molecular Pathology, St. Jude Children's Research Hospital
Classification: Uncertain significance for Multiple endocrine neoplasia type 4. Last evaluated: 2022-07-12. Review status: criteria provided, single submitter. Criteria: St. Jude Assertion Criteria 2020. Collection method: clinical testing. Allele origin: germline.
Comment: The CDKN1B c.326T>A (p.Val109Asp) missense change has a maximum subpopulation frequency of 0.099% in gnomAD v2.1.1. The in silico tool REVEL predicts a benign effect on protein function, but to our knowledge this prediction has not been confirmed by functional studies. To our knowledge, this variant has not been reported in the literature in individuals with multiple endocrine neoplasia type 4. In summary, the evidence currently available is insufficient to determine the clinical significance of this variant. It has therefore been classified as of uncertain significance.

Ambry Genetics
Classification: Benign for Hereditary cancer-predisposing syndrome. Last evaluated: 2022-04-28. Review status: criteria provided, single submitter. Criteria: Ambry Variant Classification Scheme 2023. Collection method: clinical testing. Allele origin: germline.

Sema4
Classification: Benign for Hereditary cancer-predisposing syndrome. Last evaluated: 2022-03-16. Review status: criteria provided, single submitter. Criteria: Sema4 Curation Guidelines. Collection method: curation. Allele origin: germline.

Quest Diagnostics Nichols Institute San Juan Capistrano
Classification: Likely benign. Last evaluated: 2022-03-14. Review status: criteria provided, single submitter. Criteria: Quest Diagnostics criteria. Collection method: clinical testing. Allele origin: unknown.

Illumina Laboratory Services, Illumina
Classification: Likely benign for Multiple endocrine neoplasia type 4. Last evaluated: 2017-04-27. Review status: criteria provided, single submitter. Criteria: ICSL Variant Classification Criteria 13 December 2019. Collection method: clinical testing. Allele origin: germline.
Comment: This variant was observed as part of a predisposition screen in an ostensibly healthy population. A literature search was performed for the gene, cDNA change, and amino acid change (where applicable). No publications were found based on this search. Allele frequency data from public databases allowed determination this variant is unlikely to cause disease. Therefore, this variant is classified as likely benign.

PreventionGenetics, part of Exact Sciences
Classification: Likely benign for CDKN1B-related condition. Last evaluated: 2022-04-26. Review status: no assertion criteria provided. Collection method: clinical testing. Allele origin: germline. Not counted in ClinVar's aggregate classification.
Comment: This variant is classified as likely benign based on ACMG/AMP sequence variant interpretation guidelines (Richards et al. 2015 PMID: 25741868, with internal and published modifications).

NM_004064.5(CDKN1B):c.326T>A (p.Val109Asp)

Gene: CDKN1B (cyclin dependent kinase inhibitor 1B; plus strand). Cytogenetic location: 12p13.1.
Variant type: single nucleotide variant.
Coding change: c.326T>A on transcript NM_004064.5 (MANE Select); coding-DNA position 326, T replaced by A.
Protein change: p.Val109Asp; replaces valine 109 with aspartic acid.
Molecular consequence: missense variant.
Genome position (GRCh38, 1-based): chr12:12,718,165, T>A. VCF-style: chr12-12718165-T-A. GRCh37 (hg19) VCF-style: chr12-12871099-T-A.
Other names: short protein forms V109D.
Identifiers: ClinVar variation 307663 (VCV000307663.25), dbSNP rs2066827, ClinGen allele CA6457462.
Genomic context (GRCh38, chr12:12,718,165, plus strand): 5'-ACAGACCCCCGCGGCCCCCCAAAGGTGCCTGCAAGGTGCCGGCGCAGGAGAGCCAGGATG[T>A]CAGCGGGAGCCGCCCGGCGGCGCCTTTAATTGGGGCTCCGGCTAACTCTGAGGACACGCA-3'
Protein context (NP_004055.1, residues 99-119): CKVPAQESQD[Val109Asp]SGSRPAAPLI